The following is an entry in ClinVar:

ClinVar aggregate classification (germline): Uncertain significance (1 of 4 stars; one submission).

Allele frequency attached by ClinVar (database versions not stated): gnomAD exomes 0.00001.
gnomAD v4.1: 8 of 1,547,674 alleles (0.00052%); highest among the groups gnomAD compares: Non-Finnish European, 0.0007%; no homozygotes.

Submission:

Labcorp Genetics (formerly Invitae), Labcorp
Classification: Uncertain significance. Last evaluated: 2025-09-08. Review status: criteria provided, single submitter. Criteria: Invitae Variant Classification Sherloc (09022015). Collection method: clinical testing. Allele origin: germline.
Comment: This sequence change replaces asparagine, which is neutral and polar, with histidine, which is basic and polar, at codon 161 of the DTHD1 protein (p.Asn161His). This variant is present in population databases (no rsID available, gnomAD 0.002%). This variant has not been reported in the literature in individuals affected with DTHD1-related conditions. ClinVar contains an entry for this variant (Variation ID: 1376087). An algorithm developed to predict the effect of missense changes on protein structure and function outputs the following: PolyPhen-2: "Benign". The histidine amino acid residue is found in multiple mammalian species, which suggests that this missense change does not adversely affect protein function. In summary, the available evidence is currently insufficient to determine the role of this variant in disease. Therefore, it has been classified as a Variant of Uncertain Significance.

NM_001170700.3(DTHD1):c.1351A>C (p.Asn451His)

Gene: DTHD1 (death domain containing 1; plus strand). Cytogenetic location: 4p14.
Variant type: single nucleotide variant.
Coding change: c.1351A>C on transcript NM_001170700.3 (MANE Select); coding-DNA position 1351, A replaced by C.
Protein change: p.Asn451His; replaces asparagine 451 with histidine.
Molecular consequence: missense variant. On other transcripts: non-coding transcript variant (2).
Genome position (GRCh38, 1-based): chr4:36,293,658, A>C. VCF-style: chr4-36293658-A-C. GRCh37 (hg19) VCF-style: chr4-36295280-A-C.
Other names: c.481A>C, p.Asn161His (NM_001136536.5); c.418A>C, p.Asn140His (NM_001378435.1); short protein forms N140H, N161H, N451H.
Identifiers: ClinVar variation 1376087 (VCV001376087.6), dbSNP rs1300802979, ClinGen allele CA356679607.